The following is an entry in ClinVar:

NM_000168.6(GLI3):c.1681G>T (p.Glu561Ter)

Gene: GLI3 (GLI family zinc finger 3; minus strand). Cytogenetic location: 7p14.1.
Variant type: single nucleotide variant.
Coding change: c.1681G>T on transcript NM_000168.6 (MANE Select); coding-DNA position 1681, G replaced by T.
Protein change: p.Glu561Ter; replaces glutamic acid 561 with a stop codon.
Molecular consequence: nonsense.
Genome position (GRCh38, 1-based): chr7:41,977,689, C>A on the plus strand (G>T on the coding strand, the complement: GLI3 is on the minus strand). VCF-style: chr7-41977689-C-A. GRCh37 (hg19) VCF-style: chr7-42017288-C-A.
Other names: short protein forms E561*.
Identifiers: ClinVar variation 4531290 (VCV004531290.1).
Genomic context (GRCh38, chr7:41,977,689, plus strand): 5'-CGTGCTCACAGACGTATGGTTTCTCTCCAGTGTGAGATCTCAAGTGTGTTTTCAAGTTTT[C>A]TAGTCTCGAGTAGGCCTTTGTGCAACCTTCAAACTGAGGACAACAGGTAAATCTGGATTA-3'

ClinVar aggregate classification (germline): Pathogenic (1 of 4 stars; one submission).

Conditions:
Polydactyly, postaxial, type A1. Identifiers: MedGen C4282400, MONDO:0008266, OMIM 174200.
Polysyndactyly 4. Also called: Polysyndactyly uncomplicated; Preaxial polydactyly 4. Identifiers: Orphanet 93338, MedGen C1868111, MONDO:0008272, OMIM 174700.
Pallister-Hall syndrome (PHS). Also called: HYPOTHALAMIC HAMARTOBLASTOMA, HYPOPITUITARISM, IMPERFORATE ANUS, AND POSTAXIAL POLYDACTYLY; GLI3-Related Pallister-Hall Syndrome. Identifiers: Orphanet 672, MedGen C0265220, MONDO:0007804, OMIM 146510.
Greig cephalopolysyndactyly syndrome (GCPS). Also called: GLI3-Related Greig Cephalopolysyndactyly Syndrome; POLYSYNDACTYLY WITH PECULIAR SKULL SHAPE; Greig syndrome. Identifiers: Orphanet 380, MedGen C0265306, MONDO:0008287, OMIM 175700.

Submission:

Juno Genomics, Hangzhou Juno Genomics, Inc
Classification: Pathogenic for Greig cephalopolysyndactyly syndrome; Pallister-Hall syndrome; Polydactyly, postaxial, type A1; Polysyndactyly 4. Review status: criteria provided, single submitter. Criteria: ACMG Guidelines, 2015. Collection method: clinical testing. Allele origin: germline. Affected: yes.
Comment: Absent from controls (or at extremely low frequency if recessive) in Genome Aggregation Database, Exome Sequencing Project, 1000 Genomes Project, or Exome Aggregation Consortium.;Null variant in a gene where loss of function (LOF) is a known mechanism of disease.;Patient's phenotype or family history is highly specific for a disease with a single genetic etiology.